The following is an entry in ClinVar:

NM_016284.5(CNOT1):c.2287A>G (p.Thr763Ala)

Gene: CNOT1 (CCR4-NOT transcription complex subunit 1; minus strand). Cytogenetic location: 16q21.
Variant type: single nucleotide variant.
Coding change: c.2287A>G on transcript NM_016284.5 (MANE Select); coding-DNA position 2287, A replaced by G.
Protein change: p.Thr763Ala; replaces threonine 763 with alanine.
Molecular consequence: missense variant. On other transcripts: non-coding transcript variant (1).
Genome position (GRCh38, 1-based): chr16:58,558,518, T>C on the plus strand (A>G on the coding strand, the complement: CNOT1 is on the minus strand). VCF-style: chr16-58558518-T-C. GRCh37 (hg19) VCF-style: chr16-58592422-T-C.
Other names: c.2287A>G, p.Thr763Ala (NM_001265612.2, NM_206999.3); short protein forms T763A.
Identifiers: ClinVar variation 1809899 (VCV001809899.1), dbSNP rs2543974614, ClinGen allele CA396131593.

ClinVar aggregate classification (germline): Uncertain significance (1 of 4 stars; one submission).

Submission:

GeneDx
Classification: Uncertain significance. Last evaluated: 2022-06-28. Review status: criteria provided, single submitter. Criteria: GeneDx Variant Classification Process June 2021. Collection method: clinical testing. Allele origin: germline. Affected: yes.
Comment: Not observed at significant frequency in large population cohorts (gnomAD); In silico analysis supports that this missense variant does not alter protein structure/function; Has not been previously published as pathogenic or benign to our knowledge